The following is an entry in ClinVar:

ClinVar aggregate classification (germline): Uncertain significance. Review status: criteria provided, multiple submitters, no conflicts (2 of 4 stars). 2 submissions from 2 submitters: Uncertain significance (2). Last evaluated 2024-12-31.

Conditions:
Inborn genetic diseases. Identifiers: MedGen C0950123, MeSH D030342.

Allele frequency attached by ClinVar (database versions not stated): gnomAD 0.00002; ExAC 0.00003; TOPMed 0.00003; ESP Exome Variant Server 0.00008.
gnomAD v4.1: 24 of 1,613,984 alleles (0.0015%); highest among the groups gnomAD compares: Non-Finnish European, 0.0019%; no homozygotes.

Submissions (2):

Ambry Genetics
Classification: Uncertain significance for Inborn genetic diseases. Last evaluated: 2024-12-31. Review status: criteria provided, single submitter. Criteria: Ambry Variant Classification Scheme 2023. Collection method: clinical testing. Allele origin: germline.

Labcorp Genetics (formerly Invitae), Labcorp
Classification: Uncertain significance. Last evaluated: 2022-07-29. Review status: criteria provided, single submitter. Criteria: Invitae Variant Classification Sherloc (09022015). Collection method: clinical testing. Allele origin: germline.
Comment: This sequence change replaces methionine, which is neutral and non-polar, with threonine, which is neutral and polar, at codon 625 of the DENND5A protein (p.Met625Thr). This variant is present in population databases (rs377562338, gnomAD 0.005%). This variant has not been reported in the literature in individuals affected with DENND5A-related conditions. Algorithms developed to predict the effect of missense changes on protein structure and function (SIFT, PolyPhen-2, Align-GVGD) all suggest that this variant is likely to be tolerated. In summary, the available evidence is currently insufficient to determine the role of this variant in disease. Therefore, it has been classified as a Variant of Uncertain Significance.

NM_015213.4(DENND5A):c.1874T>C (p.Met625Thr)

Gene: DENND5A (DENN domain containing 5A; minus strand). Cytogenetic location: 11p15.4.
Variant type: single nucleotide variant.
Coding change: c.1874T>C on transcript NM_015213.4 (MANE Select); coding-DNA position 1874, T replaced by C.
Protein change: p.Met625Thr; replaces methionine 625 with threonine.
Molecular consequence: missense variant. On other transcripts: non-coding transcript variant (1).
Genome position (GRCh38, 1-based): chr11:9,178,164, A>G on the plus strand (T>C on the coding strand, the complement: DENND5A is on the minus strand). VCF-style: chr11-9178164-A-G. GRCh37 (hg19) VCF-style: chr11-9199711-A-G.
Other names: c.1874T>C, p.Met625Thr (NM_001243254.2, NM_001348748.1); c.1802T>C, p.Met601Thr (NM_001348749.2); c.1586T>C, p.Met529Thr (NM_001348750.2); c.1874T>C (NM_015213.3); short protein forms M529T, M601T, M625T.
Identifiers: ClinVar variation 1938721 (VCV001938721.3), dbSNP rs377562338, ClinGen allele CA5877506.
Genomic context (GRCh38, chr11:9,178,164, plus strand): 5'-TGAATGTACATTTCCAAGGAGGCCTTACCTGCTTCATCCACAGTGGTACACTTCTGGTAC[A>G]TGGATGTACGGAGAGTAGGTGTCCGAACATTCAACAGCCTGATCTTGTCAACTCGGGAAT-3'
Protein context (NP_056028.2, residues 615-635): NVRTPTLRTS[Met625Thr]YQKCTTVDEA